The following is an entry in ClinVar:

ClinVar aggregate classification (germline): Uncertain significance (1 of 4 stars; one submission).

Conditions:
Marfan syndrome (MFS). Also called: FBN1-Related Marfan Syndrome; MARFAN SYNDROME, TYPE I; Marfan syndrome type 1; Marfan's syndrome; Marfan syndrome, classic. Identifiers: Orphanet 284963, Orphanet 558, MedGen C0024796, MONDO:0007947, OMIM 154700.
Familial thoracic aortic aneurysm and aortic dissection (TAAD). Also called: Thoracic aortic aneurysms and dissections. Identifiers: Orphanet 91387, MedGen C4707243, MONDO:0019625.

gnomAD v4.1: 2 of 1,612,710 alleles (0.00012%); highest among the groups gnomAD compares: African/African-American, 0.0027%; no homozygotes.

Submission:

Labcorp Genetics (formerly Invitae), Labcorp
Classification: Uncertain significance for Marfan syndrome; Familial thoracic aortic aneurysm and aortic dissection. Last evaluated: 2025-06-27. Review status: criteria provided, single submitter. Criteria: Invitae Variant Classification Sherloc (09022015). Collection method: clinical testing. Allele origin: germline.
Comment: This sequence change replaces isoleucine, which is neutral and non-polar, with asparagine, which is neutral and polar, at codon 1921 of the FBN1 protein (p.Ile1921Asn). This variant is not present in population databases (gnomAD no frequency). This variant has not been reported in the literature in individuals affected with FBN1-related conditions. Invitae Evidence Modeling of protein sequence and biophysical properties (such as structural, functional, and spatial information, amino acid conservation, physicochemical variation, residue mobility, and thermodynamic stability) indicates that this missense variant is not expected to disrupt FBN1 protein function with a negative predictive value of 95%. In summary, the available evidence is currently insufficient to determine the role of this variant in disease. Therefore, it has been classified as a Variant of Uncertain Significance.

NM_000138.5(FBN1):c.5762T>A (p.Ile1921Asn)

Gene: FBN1 (fibrillin 1; minus strand). Cytogenetic location: 15q21.1.
Variant type: single nucleotide variant.
Coding change: c.5762T>A on transcript NM_000138.5 (MANE Select); coding-DNA position 5762, T replaced by A.
Protein change: p.Ile1921Asn; replaces isoleucine 1921 with asparagine.
Molecular consequence: missense variant.
Genome position (GRCh38, 1-based): chr15:48,446,732, A>T on the plus strand (T>A on the coding strand, the complement: FBN1 is on the minus strand). VCF-style: chr15-48446732-A-T. GRCh37 (hg19) VCF-style: chr15-48738929-A-T.
Other names: c.5762T>A, p.Ile1921Asn (NM_001406716.1); short protein forms I1921N.
Identifiers: ClinVar variation 4787932 (VCV004787932.1).
Genomic context (GRCh38, chr15:48,446,732, plus strand): 5'-CTTCCTTTGCTGATGCACAATTTTGCACACGCACCTATACAGTCATTGTTGTGAGAAAGG[A>T]TGAAACCATGATTGCAGCGGCAGTTGAAGGAACCAATTGTGTTCCGGCAAGTTCCATTCC-3'
Protein context (NP_000129.3, residues 1911-1931): SFNCRCNHGF[Ile1921Asn]LSHNNDCIDV